The following is an entry in ClinVar:

ClinVar aggregate classification (germline): Uncertain significance. Review status: criteria provided, single submitter (1 of 4 stars). 2 submissions from 2 submitters: Uncertain significance (1). 1 of the submissions does not count toward it. Last evaluated 2025-08-08.

Conditions:
Pulmonary fibrosis and/or bone marrow failure, Telomere-related, 3. Also called: PULMONARY FIBROSIS AND/OR BONE MARROW FAILURE SYNDROME, TELOMERE-RELATED, 3. Identifiers: Orphanet 2032, MedGen C4225346, MONDO:0014613, OMIM 616373.
Dyskeratosis congenita, autosomal recessive 5 (DKCB5). Identifiers: MedGen C3554656, MONDO:0014076, OMIM 615190.
Dyskeratosis congenita. Identifiers: Orphanet 1775, MedGen C0265965, MONDO:0015780.

Allele frequency attached by ClinVar (database versions not stated): TOPMed below 0.00001; gnomAD exomes 0.00001.
gnomAD v4.1: 13 of 1,609,750 alleles (0.00081%); highest among the groups gnomAD compares: African/African-American, 0.0013%; no homozygotes.

Submissions (2):

Labcorp Genetics (formerly Invitae), Labcorp
Classification: Uncertain significance for Dyskeratosis congenita, autosomal recessive 5; Pulmonary fibrosis and/or bone marrow failure, Telomere-related, 3. Last evaluated: 2025-08-08. Review status: criteria provided, single submitter. Criteria: Invitae Variant Classification Sherloc (09022015). Collection method: clinical testing. Allele origin: germline.
Comment: This sequence change replaces glutamic acid, which is acidic and polar, with glutamine, which is neutral and polar, at codon 885 of the RTEL1 protein (p.Glu885Gln). This variant is not present in population databases (gnomAD no frequency). This variant has not been reported in the literature in individuals affected with RTEL1-related conditions. ClinVar contains an entry for this variant (Variation ID: 851729). An algorithm developed to predict the effect of missense changes on protein structure and function (PolyPhen-2) suggests that this variant is likely to be tolerated. Algorithms developed to predict the effect of sequence changes on RNA splicing suggest that this variant may create or strengthen a splice site. In summary, the available evidence is currently insufficient to determine the role of this variant in disease. Therefore, it has been classified as a Variant of Uncertain Significance.

Natera, Inc.
Classification: Uncertain significance for Dyskeratosis congenita. Last evaluated: 2020-09-11. Review status: no assertion criteria provided. Collection method: clinical testing. Allele origin: germline. Not counted in ClinVar's aggregate classification.

NM_001283009.2(RTEL1):c.2653G>C (p.Glu885Gln)

Genes: RTEL1 (regulator of telomere elongation helicase 1; plus strand), RTEL1-TNFRSF6B (RTEL1-TNFRSF6B readthrough (NMD candidate); plus strand). Cytogenetic location: 20q13.33.
Variant type: single nucleotide variant.
Coding change: c.2653G>C on transcript NM_001283009.2 (MANE Select); coding-DNA position 2653, G replaced by C.
Protein change: p.Glu885Gln; replaces glutamic acid 885 with glutamine.
Molecular consequence: missense variant. On other transcripts: non-coding transcript variant (1).
Genome position (GRCh38, 1-based): chr20:63,692,805, G>C. VCF-style: chr20-63692805-G-C. GRCh37 (hg19) VCF-style: chr20-62324158-G-C.
Other names: c.1984G>C, p.Glu662Gln (NM_001283010.1); c.2653G>C, p.Glu885Gln (NM_016434.4); c.2725G>C, p.Glu909Gln (NM_032957.5); short protein forms E909Q, E662Q, E885Q.
Identifiers: ClinVar variation 851729 (VCV000851729.9), dbSNP rs2090784564, ClinGen allele CA409682770.